The following is an entry in ClinVar:

NM_001374736.1(DST):c.12924_12927delinsTA (p.Ser4309fs)

Gene: DST (dystonin; minus strand). Cytogenetic location: 6p12.1.
Variant type: Indel.
Coding change: c.12924_12927delinsTA on transcript NM_001374736.1 (MANE Select); coding-DNA positions 12924 to 12927, AAGT replaced by TA.
Protein change: p.Ser4309fs; shifts the reading frame from serine 4309.
Molecular consequence: frameshift variant.
Genome position (GRCh38, 1-based): chr6:56,578,914-56,578,917, ACTT replaced by TA on the plus strand (AAGT replaced by TA on the coding strand, the reverse complement: DST is on the minus strand). VCF-style: chr6-56578914-ACTT-TA. GRCh37 (hg19) VCF-style: chr6-56443712-ACTT-TA.
Other names: c.6567_6570delinsTA, p.Ser2190fs (NM_001144769.5); c.6153_6156delinsTA, p.Ser2052fs (NM_001144770.2); c.12924_12927delinsTA, p.Ser4309fs (NM_001374722.1); c.12291_12294delinsTA, p.Ser4098fs (NM_001374729.1); c.6033_6036delinsTA, p.Ser2012fs (NM_001374730.1, NM_001386100.1, NM_183380.4); c.12951_12954delinsTA, p.Ser4318fs (NM_001374734.1); c.5055_5058delinsTA, p.Ser1686fs (NM_015548.5); short protein forms S2012fs, S2190fs, S4318fs, S1686fs, S4309fs, S2052fs, S4098fs.
Identifiers: ClinVar variation 1754217 (VCV001754217.2), dbSNP rs2535864434, ClinGen allele CA2580075574.

ClinVar aggregate classification (germline): Pathogenic (1 of 4 stars; one submission).

Conditions:
Inborn genetic diseases. Identifiers: MedGen C0950123, MeSH D030342.

Submission:

Ambry Genetics
Classification: Pathogenic for Inborn genetic diseases. Last evaluated: 2020-02-03. Review status: criteria provided, single submitter. Criteria: Ambry Variant Classification Scheme 2023. Collection method: clinical testing. Allele origin: germline.
Comment: The c.6567_6570delAAGTinsTA variant, located in coding exon 44 of the DST gene, results from the deletion of 4 nucleotides and insertion of two nucleotides causing a translational frameshift with a predicted alternate stop codon (p.S2190Tfs*13). This alteration is expected to result in loss of function by premature protein truncation or nonsense-mediated mRNA decay. As such, this alteration is interpreted as a disease-causing mutation.